The following is an entry in ClinVar:

NM_000426.4(LAMA2):c.2783_2784del (p.Glu928fs)

Gene: LAMA2 (laminin subunit alpha 2; plus strand). Cytogenetic location: 6q22.33.
Variant type: Deletion.
Coding change: c.2783_2784del on transcript NM_000426.4 (MANE Select); coding-DNA positions 2783 to 2784, 2 bases deleted (AG; older notation c.2783_2784delAG).
Protein change: p.Glu928fs; shifts the reading frame from glutamic acid 928.
Molecular consequence: frameshift variant.
Genome position (GRCh38, 1-based): chr6:129,291,647-129,291,648, AG deleted; deleting any 2 consecutive bases within chr6:129,291,646-129,291,648 gives the same sequence; the c. name uses the placement nearest the transcript's 3' end. VCF-style (leftmost placement, unchanged base first): chr6-129291645-TGA-T. GRCh37 (hg19) VCF-style: chr6-129612790-TGA-T.
Other names: c.2783_2784del, p.Glu928fs (NM_001079823.2); short protein forms E928fs.
Identifiers: ClinVar variation 1725054 (VCV001725054.3), dbSNP rs2482308349, ClinGen allele CA2580074931.
Genomic context (GRCh38, chr6:129,291,645, plus strand): 5'-CTGATCACAGGTCTCTCTTCTCTTTGCAGCCTGTCGCTGTAATGCCGGTGGCTCTTTCTC[TGA>T]GGTTTGCCACAGTCAAACTGGACAGTGTGAGTGCAGAGCCAACGTTCAGGGTCAGAGATG-3'

ClinVar aggregate classification (germline): Likely pathogenic (1 of 4 stars; one submission).

Conditions:
LAMA2-related muscular dystrophy (LAMA2-RD). Also called: Laminin alpha 2-related dystrophy. Identifiers: MedGen C5679788, MONDO:0100228.

Submission:

Myriad Genetics, Inc.
Classification: Likely pathogenic for LAMA2-related muscular dystrophy. Last evaluated: 2022-03-06. Review status: criteria provided, single submitter. Criteria: Myriad Autosomal Dominant, Autosomal Recessive and X-Linked Classification Criteria (2023). Collection method: clinical testing. Allele origin: unknown.
Comment: NM_000426.3(LAMA2):c.2783_2784delAG(E928Gfs*10) is expected to be pathogenic in the context of muscular dystrophy, LAMA2-related. This variant is predicted to lead to an abnormal or absent protein product due to the creation of a premature termination codon in LAMA2, a gene where loss-of-function variants are known to be pathogenic. Please note: this variant was assessed in the context of healthy population screening.